The following is an entry in ClinVar:

NM_003640.5(ELP1):c.1909-2A>C

Gene: ELP1 (elongator acetyltransferase complex subunit 1; minus strand). Cytogenetic location: 9q31.3.
Variant type: single nucleotide variant.
Coding change: c.1909-2A>C on transcript NM_003640.5 (MANE Select); the canonical splice acceptor site of the intron before coding-DNA position 1909, A replaced by C.
Molecular consequence: splice acceptor variant.
Genome position (GRCh38, 1-based): chr9:108,901,532, T>G on the plus strand (A>C on the coding strand, the complement: ELP1 is on the minus strand). VCF-style: chr9-108901532-T-G. GRCh37 (hg19) VCF-style: chr9-111663812-T-G.
Other names: c.1567-2A>C (NM_001318360.2); c.862-2A>C (NM_001330749.2).
Identifiers: ClinVar variation 1066674 (VCV001066674.7), dbSNP rs2131992124, ClinGen allele CA374424650.

ClinVar aggregate classification (germline): Likely pathogenic (1 of 4 stars; one submission).

Submission:

Labcorp Genetics (formerly Invitae), Labcorp
Classification: Likely pathogenic. Last evaluated: 2022-08-20. Review status: criteria provided, single submitter. Criteria: Invitae Variant Classification Sherloc (09022015). Collection method: clinical testing. Allele origin: germline.
Comment: This sequence change affects an acceptor splice site in intron 17 of the ELP1 gene. It is expected to disrupt RNA splicing. Variants that disrupt the donor or acceptor splice site typically lead to a loss of protein function (PMID: 16199547), and loss-of-function variants in ELP1 are known to be pathogenic (PMID: 18303054, 24173031). This variant is not present in population databases (gnomAD no frequency). This variant has not been reported in the literature in individuals affected with ELP1-related conditions. ClinVar contains an entry for this variant (Variation ID: 1066674). Algorithms developed to predict the effect of sequence changes on RNA splicing suggest that this variant may disrupt the consensus splice site. In summary, the currently available evidence indicates that the variant is pathogenic, but additional data are needed to prove that conclusively. Therefore, this variant has been classified as Likely Pathogenic.

Literature cited by the submitters: PubMed 16199547; PubMed 18303054; PubMed 24173031.